The following is an entry in ClinVar:

ClinVar aggregate classification (germline): Uncertain significance (1 of 4 stars; one submission).

Allele frequency attached by ClinVar (database versions not stated): ExAC 0.00002.
gnomAD v4.1: 15 of 1,601,252 alleles (0.00094%); highest among the groups gnomAD compares: South Asian, 0.017%; no homozygotes.

Submission:

Labcorp Genetics (formerly Invitae), Labcorp
Classification: Uncertain significance. Last evaluated: 2022-04-17. Review status: criteria provided, single submitter. Criteria: Invitae Variant Classification Sherloc (09022015). Collection method: clinical testing. Allele origin: germline.
Comment: This sequence change replaces isoleucine, which is neutral and non-polar, with leucine, which is neutral and non-polar, at codon 422 of the MYSM1 protein (p.Ile422Leu). In summary, the available evidence is currently insufficient to determine the role of this variant in disease. Therefore, it has been classified as a Variant of Uncertain Significance. Algorithms developed to predict the effect of missense changes on protein structure and function output the following: SIFT: "Tolerated"; PolyPhen-2: "Benign"; Align-GVGD: "Class C0". The leucine amino acid residue is found in multiple mammalian species, which suggests that this missense change does not adversely affect protein function. This variant has not been reported in the literature in individuals affected with MYSM1-related conditions. This variant is present in population databases (rs748632967, gnomAD 0.01%).

NM_001085487.3(MYSM1):c.1264A>T (p.Ile422Leu)

Gene: MYSM1 (Myb like, SWIRM and MPN domains 1; minus strand). Cytogenetic location: 1p32.1.
Variant type: single nucleotide variant.
Coding change: c.1264A>T on transcript NM_001085487.3 (MANE Select); coding-DNA position 1264, A replaced by T.
Protein change: p.Ile422Leu; replaces isoleucine 422 with leucine.
Molecular consequence: missense variant.
Genome position (GRCh38, 1-based): chr1:58,677,052, T>A on the plus strand (A>T on the coding strand, the complement: MYSM1 is on the minus strand). VCF-style: chr1-58677052-T-A. GRCh37 (hg19) VCF-style: chr1-59142724-T-A.
Other names: short protein forms I422L.
Identifiers: ClinVar variation 2191239 (VCV002191239.3), dbSNP rs748632967, ClinGen allele CA877865.